The following is an entry in ClinVar:

NC_000004.11:g.(?_186423448)_(186456588_?)del

Gene: PDLIM3 (PDZ and LIM domain 3; minus strand). Cytogenetic location: 4q35.1.
Variant type: Deletion.
Identifiers: ClinVar variation 1443280 (VCV001443280.2).

ClinVar aggregate classification (germline): Uncertain significance (1 of 4 stars; one submission).

Conditions:
Primary dilated cardiomyopathy (DCM). Also called: Dilated Cardiomyopathy. Identifiers: Orphanet 217604, MedGen C0007193, MeSH D002311, MONDO:0005021, HP:0001644. Inheritance: Various modes of inheritance.
Hypertrophic cardiomyopathy. Also called: HYPERTROPHIC MYOCARDIOPATHY. Identifiers: Orphanet 217569, MedGen C0007194, MeSH D002312, MONDO:0005045, HP:0001639.

Submission:

Labcorp Genetics (formerly Invitae), Labcorp
Classification: Uncertain significance for Hypertrophic cardiomyopathy; Primary dilated cardiomyopathy. Last evaluated: 2022-05-08. Review status: criteria provided, single submitter. Criteria: Invitae Variant Classification Sherloc (09022015). Collection method: clinical testing. Allele origin: germline.
Comment: A gross deletion of the genomic region encompassing the full coding sequence of the PDLIM3 gene has been identified. The current clinical and genetic evidence is not sufficient to establish whether loss-of-function variants in PDLIM3 cause disease. The boundaries of this event are unknown as they extend beyond the assayed region for this gene and therefore may encompass additional genes. This variant has not been reported in the literature in individuals affected with PDLIM3-related conditions. In summary, the available evidence is currently insufficient to determine the role of this variant in disease. Therefore, it has been classified as a Variant of Uncertain Significance.